The following is an entry in ClinVar:

NM_005045.4(RELN):c.2703-3C>T

Gene: RELN (reelin; minus strand). Cytogenetic location: 7q22.1.
Variant type: single nucleotide variant.
Coding change: c.2703-3C>T on transcript NM_005045.4 (MANE Select); 3 bases into the intron before coding-DNA position 2703, C replaced by T.
Molecular consequence: intron variant.
Genome position (GRCh38, 1-based): chr7:103,611,806, G>A on the plus strand (C>T on the coding strand, the complement: RELN is on the minus strand). VCF-style: chr7-103611806-G-A. GRCh37 (hg19) VCF-style: chr7-103252253-G-A.
Other names: c.2703-3C>T (NM_173054.3).
Identifiers: ClinVar variation 2949264 (VCV002949264.3), dbSNP rs2484753160, ClinGen allele CA2740097474.

ClinVar aggregate classification (germline): Uncertain significance (1 of 4 stars; one submission).

Conditions:
Familial temporal lobe epilepsy 7. Identifiers: Orphanet 101046, MedGen C4225327, MONDO:0014639, OMIM 616436.
Norman-Roberts syndrome (LIS2). Also called: Lissencephaly 2 (Norman-Roberts type). Identifiers: Orphanet 89844, MedGen C0796089, MONDO:0009760, OMIM 257320.

Submission:

Labcorp Genetics (formerly Invitae), Labcorp
Classification: Uncertain significance for Familial temporal lobe epilepsy 7; Norman-Roberts syndrome. Last evaluated: 2024-10-23. Review status: criteria provided, single submitter. Criteria: Invitae Variant Classification Sherloc (09022015). Collection method: clinical testing. Allele origin: germline.
Comment: This sequence change falls in intron 20 of the RELN gene. It does not directly change the encoded amino acid sequence of the RELN protein. It affects a nucleotide within the consensus splice site. This variant is not present in population databases (gnomAD no frequency). This variant has not been reported in the literature in individuals affected with RELN-related conditions. Variants that disrupt the consensus splice site are a relatively common cause of aberrant splicing (PMID: 17576681, 9536098). Algorithms developed to predict the effect of sequence changes on RNA splicing suggest that this variant is not likely to affect RNA splicing. In summary, the available evidence is currently insufficient to determine the role of this variant in disease. Therefore, it has been classified as a Variant of Uncertain Significance.

Literature cited by the submitters: PubMed 17576681; PubMed 9536098.